The following is an entry in ClinVar:

ClinVar aggregate classification (germline): Uncertain significance (1 of 4 stars; one submission).

Submission:

Labcorp Genetics (formerly Invitae), Labcorp
Classification: Uncertain significance. Last evaluated: 2022-09-01. Review status: criteria provided, single submitter. Criteria: Invitae Variant Classification Sherloc (09022015). Collection method: clinical testing. Allele origin: germline.
Comment: This sequence change falls in intron 8 of the POLE gene. It does not directly change the encoded amino acid sequence of the POLE protein. It affects a nucleotide within the consensus splice site. This variant is not present in population databases (gnomAD no frequency). This variant has not been reported in the literature in individuals affected with POLE-related conditions. ClinVar contains an entry for this variant (Variation ID: 579839). Variants that disrupt the consensus splice site are a relatively common cause of aberrant splicing (PMID: 17576681, 9536098). Algorithms developed to predict the effect of sequence changes on RNA splicing suggest that this variant may disrupt the consensus splice site. In summary, the available evidence is currently insufficient to determine the role of this variant in disease. Therefore, it has been classified as a Variant of Uncertain Significance.

Literature cited by the submitters: PubMed 17576681; PubMed 9536098.

NM_006231.4(POLE):c.801+4A>G

Gene: POLE (DNA polymerase epsilon, catalytic subunit; minus strand). Cytogenetic location: 12q24.33.
Variant type: single nucleotide variant.
Coding change: c.801+4A>G on transcript NM_006231.4 (MANE Select); 4 bases into the intron after coding-DNA position 801, A replaced by G.
Molecular consequence: intron variant.
Genome position (GRCh38, 1-based): chr12:132,677,359, T>C on the plus strand (A>G on the coding strand, the complement: POLE is on the minus strand). VCF-style: chr12-132677359-T-C. GRCh37 (hg19) VCF-style: chr12-133253945-T-C.
Identifiers: ClinVar variation 579839 (VCV000579839.6), dbSNP rs1565977480, ClinGen allele CA891843748.